The following is an entry in ClinVar:

ClinVar aggregate classification (germline): Uncertain significance (1 of 4 stars; one submission).

Conditions:
Epilepsy. Also called: Seizure disorder. Identifiers: MedGen C0014544, MeSH D004827, MONDO:0005027.

Allele frequency attached by ClinVar (database versions not stated): TOPMed 0.00001.
gnomAD v4.1: 30 of 1,600,550 alleles (0.0019%); highest among the groups gnomAD compares: East Asian, 0.011%; no homozygotes.

Submission:

Labcorp Genetics (formerly Invitae), Labcorp
Classification: Uncertain significance for Epilepsy. Last evaluated: 2025-08-11. Review status: criteria provided, single submitter. Criteria: Invitae Variant Classification Sherloc (09022015). Collection method: clinical testing. Allele origin: germline.
Comment: This sequence change replaces arginine, which is basic and polar, with histidine, which is basic and polar, at codon 527 of the PIGQ protein (p.Arg527His). The frequency data for this variant in the population databases is considered unreliable, as metrics indicate poor data quality at this position in the gnomAD database. This variant has not been reported in the literature in individuals affected with PIGQ-related conditions. ClinVar contains an entry for this variant (Variation ID: 1014871). An algorithm developed to predict the effect of missense changes on protein structure and function (PolyPhen-2) suggests that this variant is likely to be tolerated. In summary, the available evidence is currently insufficient to determine the role of this variant in disease. Therefore, it has been classified as a Variant of Uncertain Significance.

NM_004204.5(PIGQ):c.1580G>A (p.Arg527His)

Gene: PIGQ (phosphatidylinositol glycan anchor biosynthesis class Q; plus strand). Cytogenetic location: 16p13.3.
Variant type: single nucleotide variant.
Coding change: c.1580G>A on transcript NM_004204.5 (MANE Select); coding-DNA position 1580, G replaced by A.
Protein change: p.Arg527His; replaces arginine 527 with histidine.
Molecular consequence: missense variant. On other transcripts: intron variant (1).
Genome position (GRCh38, 1-based): chr16:582,296, G>A. VCF-style: chr16-582296-G-A. GRCh37 (hg19) VCF-style: chr16-632296-G-A.
Other names: c.1532-587G>A (NM_148920.4); short protein forms R527H.
Identifiers: ClinVar variation 1014871 (VCV001014871.7), dbSNP rs745593701, ClinGen allele CA394060700.
Genomic context (GRCh38, chr16:582,296, plus strand): 5'-CTATCCTTGCAGCTGGCGTGAAGTTCCGTGTCCTCCGGCACGAGGCCGGCAGGCCCCTCC[G>A]CCTCCTGATGCAGGTGAGGCCCCTTGTGGCCAGGACGCCCCTACGCTGCTGCCCCTGTTC-3'
Protein context (NP_004195.2, residues 517-537): VLRHEAGRPL[Arg527His]LLMQINPLPY